The following is an entry in ClinVar:

ClinVar aggregate classification (germline): Uncertain significance (1 of 4 stars; one submission).

Allele frequency attached by ClinVar (database versions not stated): TOPMed below 0.00001; gnomAD exomes below 0.00001; gnomAD 0.00001.
gnomAD v4.1: 6 of 1,613,840 alleles (0.00037%); highest among the groups gnomAD compares: Non-Finnish European, 0.00051%; no homozygotes.

Submission:

Labcorp Genetics (formerly Invitae), Labcorp
Classification: Uncertain significance. Last evaluated: 2021-08-28. Review status: criteria provided, single submitter. Criteria: Invitae Variant Classification Sherloc (09022015). Collection method: clinical testing. Allele origin: germline.
Comment: This sequence change replaces phenylalanine with isoleucine at codon 136 of the USH2A protein (p.Phe136Ile). The phenylalanine residue is highly conserved and there is a small physicochemical difference between phenylalanine and isoleucine. This variant is not present in population databases (ExAC no frequency). This variant has not been reported in the literature in individuals affected with USH2A-related conditions. Algorithms developed to predict the effect of missense changes on protein structure and function output the following: SIFT: "Deleterious"; PolyPhen-2: "Benign"; Align-GVGD: "Class C0". The isoleucine amino acid residue is found in multiple mammalian species, which suggests that this missense change does not adversely affect protein function. In summary, the available evidence is currently insufficient to determine the role of this variant in disease. Therefore, it has been classified as a Variant of Uncertain Significance.

NM_206933.4(USH2A):c.406T>A (p.Phe136Ile)

Gene: USH2A (usherin; minus strand). Cytogenetic location: 1q41.
Variant type: single nucleotide variant.
Coding change: c.406T>A on transcript NM_206933.4 (MANE Select); coding-DNA position 406, T replaced by A.
Protein change: p.Phe136Ile; replaces phenylalanine 136 with isoleucine.
Molecular consequence: missense variant.
Genome position (GRCh38, 1-based): chr1:216,421,931, A>T on the plus strand (T>A on the coding strand, the complement: USH2A is on the minus strand). VCF-style: chr1-216421931-A-T. GRCh37 (hg19) VCF-style: chr1-216595273-A-T.
Other names: c.406T>A, p.Phe136Ile (NM_007123.6); short protein forms F136I.
Identifiers: ClinVar variation 1035105 (VCV001035105.6), dbSNP rs1165457274, ClinGen allele CA344903934.